The following is an entry in ClinVar:

NM_017514.5(PLXNA3):c.1591G>A (p.Gly531Ser)

Gene: PLXNA3 (plexin A3; plus strand). Cytogenetic location: Xq28.
Variant type: single nucleotide variant.
Coding change: c.1591G>A on transcript NM_017514.5 (MANE Select); coding-DNA position 1591, G replaced by A.
Protein change: p.Gly531Ser; replaces glycine 531 with serine.
Molecular consequence: missense variant.
Genome position (GRCh38, 1-based): chrX:154,463,994, G>A. VCF-style: chrX-154463994-G-A. GRCh37 (hg19) VCF-style: chrX-153692337-G-A.
Other names: short protein forms G531S.
Identifiers: ClinVar variation 3349204 (VCV003349204.1).

ClinVar aggregate classification (germline): Uncertain significance (0 of 4 stars; one submission).

Conditions:
PLXNA3-related disorder. Also called: PLXNA3-related condition.

gnomAD v4.1: 19 of 1,202,696 alleles (0.0016%); highest among the groups gnomAD compares: Admixed American, 0.0066%; no homozygotes.

Submission:

PreventionGenetics, part of Exact Sciences
Classification: Uncertain significance for PLXNA3-related condition. Last evaluated: 2024-07-25. Review status: no assertion criteria provided. Collection method: clinical testing. Allele origin: germline.
Comment: The PLXNA3 c.1591G>A variant is predicted to result in the amino acid substitution p.Gly531Ser. To our knowledge, this variant has not been reported in the literature. This variant is reported in 0.012% of alleles in individuals of South Asian descent in gnomAD. At this time, the clinical significance of this variant is uncertain due to the absence of conclusive functional and genetic evidence.